The following is an entry in ClinVar:

ClinVar aggregate classification (germline): Conflicting classifications of pathogenicity. Review status: criteria provided, conflicting classifications (1 of 4 stars). 3 submissions from 3 submitters: Pathogenic (1); Likely pathogenic (1); Uncertain significance (1). Last evaluated 2023-06-29.

Conditions:
Hereditary angioedema type 1 (HAE1). Identifiers: Orphanet 100050, Orphanet 100051, Orphanet 91378, MedGen C2717906, MONDO:0015053, OMIM 106100.

Submissions (3):

Labcorp Genetics (formerly Invitae), Labcorp
Classification: Uncertain significance. Last evaluated: 2023-06-29. Review status: criteria provided, single submitter. Criteria: Invitae Variant Classification Sherloc (09022015). Collection method: clinical testing. Allele origin: germline.
Comment: This sequence change replaces asparagine, which is neutral and polar, with histidine, which is basic and polar, at codon 291 of the SERPING1 protein (p.Asn291His). This variant is not present in population databases (gnomAD no frequency). This missense change has been observed in individual(s) with hereditary angioedema (PMID: 18758157). ClinVar contains an entry for this variant (Variation ID: 378573). Advanced modeling of protein sequence and biophysical properties (such as structural, functional, and spatial information, amino acid conservation, physicochemical variation, residue mobility, and thermodynamic stability) has been performed at Invitae for this missense variant, however the output from this modeling did not meet the statistical confidence thresholds required to predict the impact of this variant on SERPING1 protein function. Experimental studies have shown that this missense change affects SERPING1 function (PMID: 30398465). In summary, the available evidence is currently insufficient to determine the role of this variant in disease. Therefore, it has been classified as a Variant of Uncertain Significance.

GeneDx
Classification: Pathogenic. Last evaluated: 2023-02-27. Review status: criteria provided, single submitter. Criteria: GeneDx Variant Classification Process June 2021. Collection method: clinical testing. Allele origin: germline. Affected: yes.
Comment: Published functional studies demonstrate a damaging effect; N291H reduces secretion of the wild-type protein by a dominant negative mechanism (Haslund et al., 2019); Not observed in large population cohorts (gnomAD); In silico analysis supports that this missense variant has a deleterious effect on protein structure/function; This variant is associated with the following publications: (PMID: 18758157, 31517426, 29753808, 25258140, 30398465)

Department of Immunology and Histocompatibility, University of Thessaly
Classification: Likely pathogenic for Hereditary angioedema type 1. Review status: criteria provided, single submitter. Criteria: ACMG Guidelines, 2015. Collection method: clinical testing. Allele origin: germline. Affected: yes. Observed: 1 variant allele.
Comment: The c.871A>C (p.Asn291His) variant has been previously reported in association with hereditary angioedema in the literature (Gosswein et al., 2008; Loules et al., 2018), in HAE database and in ClinVar database. The variant has not been detected in approximately 120000 individuals of the Exome Aggregation Consortium (ExAC) database, indicating that it is not a common variant. A missense variant changing the same residue (p.Asn291Tyr) has been previously reported in association with angioedema. Taking all the above into account and according to ACMG Guidelines (Criteria: PM2, PM6, PP2, PP4, PP5) the variant is considered likely pathogenic.

Literature cited by the submitters: PubMed 18758157 (cited by Labcorp Genetics (formerly Invitae), Labcorp); PubMed 30398465 (cited by Labcorp Genetics (formerly Invitae), Labcorp); PubMed 29753808 (cited by Department of Immunology and Histocompatibility, University of Thessaly).

NM_000062.3(SERPING1):c.871A>C (p.Asn291His)

Gene: SERPING1 (serpin family G member 1; plus strand). Cytogenetic location: 11q12.1.
Variant type: single nucleotide variant.
Coding change: c.871A>C on transcript NM_000062.3 (MANE Select); coding-DNA position 871, A replaced by C.
Protein change: p.Asn291His; replaces asparagine 291 with histidine.
Molecular consequence: missense variant.
Genome position (GRCh38, 1-based): chr11:57,606,195, A>C. VCF-style: chr11-57606195-A-C. GRCh37 (hg19) VCF-style: chr11-57373668-A-C.
Other names: c.871A>C, p.Asn291His (NM_001032295.2); short protein forms N291H.
Identifiers: ClinVar variation 378573 (VCV000378573.8), dbSNP rs1057520366, ClinGen allele CA16606256.